The following is an entry in ClinVar:

NM_207122.2(EXT2):c.1072T>G (p.Trp358Gly)

Gene: EXT2 (exostosin glycosyltransferase 2; plus strand). Cytogenetic location: 11p11.2.
Variant type: single nucleotide variant.
Coding change: c.1072T>G on transcript NM_207122.2 (MANE Select); coding-DNA position 1072, T replaced by G.
Protein change: p.Trp358Gly; replaces tryptophan 358 with glycine.
Molecular consequence: missense variant.
Genome position (GRCh38, 1-based): chr11:44,126,948, T>G. VCF-style: chr11-44126948-T-G. GRCh37 (hg19) VCF-style: chr11-44148498-T-G.
Other names: c.1171T>G, p.Trp391Gly (NM_000401.3); c.1072T>G, p.Trp358Gly (NM_001178083.3, NM_001389628.1, NM_001389630.1); short protein forms W391G, W358G.
Identifiers: ClinVar variation 1488733 (VCV001488733.8), dbSNP rs2135020999, ClinGen allele CA380169361.

ClinVar aggregate classification (germline): Uncertain significance (1 of 4 stars; one submission).

Conditions:
Exostoses, multiple, type 2 (EXT2). Also called: Hereditary Multiple Osteochondromatosis, Type II; EXOSTOSES, MULTIPLE, TYPE II. Identifiers: Orphanet 321, MedGen C1851413, MONDO:0007586, OMIM 133701.

Submission:

Labcorp Genetics (formerly Invitae), Labcorp
Classification: Uncertain significance for Exostoses, multiple, type 2. Last evaluated: 2021-05-04. Review status: criteria provided, single submitter. Criteria: Invitae Variant Classification Sherloc (09022015). Collection method: clinical testing. Allele origin: germline.
Comment: This sequence change replaces tryptophan with glycine at codon 358 of the EXT2 protein (p.Trp358Gly). The tryptophan residue is highly conserved and there is a large physicochemical difference between tryptophan and glycine. This variant is not present in population databases (ExAC no frequency). This variant has not been reported in the literature in individuals with EXT2-related conditions. Algorithms developed to predict the effect of missense changes on protein structure and function are either unavailable or do not agree on the potential impact of this missense change (SIFT: "Deleterious"; PolyPhen-2: "Probably Damaging"; Align-GVGD: "Class C0"). In summary, the available evidence is currently insufficient to determine the role of this variant in disease. Therefore, it has been classified as a Variant of Uncertain Significance.